The following is an entry in ClinVar:

NM_007294.4(BRCA1):c.5091T>C (p.Cys1697=)

Gene: BRCA1 (BRCA1 DNA repair associated; minus strand). Cytogenetic location: 17q21.31.
Variant type: single nucleotide variant.
Coding change: c.5091T>C on transcript NM_007294.4 (MANE Select); coding-DNA position 5091, T replaced by C.
Protein change: p.Cys1697=; no amino-acid change (cysteine 1697 retained).
Molecular consequence: synonymous variant. On other transcripts: intron variant (2).
Genome position (GRCh38, 1-based): chr17:43,063,935, A>G on the plus strand (T>C on the coding strand, the complement: BRCA1 is on the minus strand). VCF-style: chr17-43063935-A-G. GRCh37 (hg19) VCF-style: chr17-41215952-A-G.
Other names: c.5075-562T>C (NM_001407652.1); c.5151T>C, p.Cys1717= (NM_001407590.1, NM_001407591.1); c.5091T>C, p.Cys1697= (NM_001407593.1, NM_001407594.1, NM_001407596.1 and 7 more transcripts); c.5088T>C, p.Cys1696= (NM_001407610.1, NM_001407611.1, NM_001407612.1 and 17 more transcripts); c.5085T>C, p.Cys1695= (NM_001407627.1, NM_001407628.1, NM_001407629.1 and 14 more transcripts); c.5082T>C, p.Cys1694= (NM_001407644.1, NM_001407645.1); c.5079T>C, p.Cys1693= (NM_001407646.1); c.5076T>C, p.Cys1692= (NM_001407647.1); and 73 more.
Identifiers: ClinVar variation 867633 (VCV000867633.3), dbSNP rs1597820426, ClinGen allele CA500146211.
Genomic context (GRCh38, chr17:43,063,935, plus strand): 5'-GAAATAGCTAACTACCCATTTTCCTCCCGCAATTCCTAGAAAATATTTCAGTGTCCGTTC[A>G]CACACAAACTCAGCATCTGCAGAATGAAAAACACTCAAAGGATTAGAAGTTGAAAACAAA-3'
Protein context (NP_009225.1, residues 1687-1707): VVMKTDAEFV[Cys1697=]ERTLKYFLGI

Conditions:
Breast-ovarian cancer, familial, susceptibility to, 1 (BROVCA1). Also called: BRCA1 Hereditary Breast and Ovarian Cancer; OVARIAN CANCER, SUSCEPTIBILITY TO. Identifiers: Orphanet 145, MedGen C2676676, MONDO:0011450, OMIM 604370. Disease mechanism: loss of function.

Submission:

Brotman Baty Institute, University of Washington
No classification provided (evidence only). Condition: Breast-ovarian cancer, familial 1. Review status: no classification provided. Collection method: in vitro. Allele origin: not applicable. Functional consequence: functionally_normal.
ClinVar note: "not provided" was previously submitted as the classification for the variant. However, the classification appeared to be based only on an observation of functional data so it was converted to no classification on 2025-07-30.